The following is an entry in ClinVar:

ClinVar aggregate classification (germline): Uncertain significance (1 of 4 stars; one submission).

Conditions:
Inborn genetic diseases. Identifiers: MedGen C0950123, MeSH D030342.

Allele frequency attached by ClinVar (database versions not stated): gnomAD exomes below 0.00001; ExAC 0.00001.
gnomAD v4.1: 1 of 1,611,800 alleles (0.000062%); highest among the groups gnomAD compares: South Asian, 0.0011%; no homozygotes.

Submission:

Ambry Genetics
Classification: Uncertain significance for Inborn genetic diseases. Last evaluated: 2023-12-28. Review status: criteria provided, single submitter. Criteria: Ambry Variant Classification Scheme 2023. Collection method: clinical testing. Allele origin: germline.
Comment: The c.8477T>C (p.I2826T) alteration is located in exon 34 (coding exon 32) of the SRCAP gene. This alteration results from a T to C substitution at nucleotide position 8477, causing the isoleucine (I) at amino acid position 2826 to be replaced by a threonine (T). Based on data from gnomAD, the C allele has an overall frequency of <0.001% (1/248746) total alleles studied. The highest observed frequency was 0.003% (1/30348) of South Asian alleles. This amino acid position is well conserved in available vertebrate species. The in silico prediction for this alteration is inconclusive. Based on insufficient or conflicting evidence, the clinical significance of this alteration remains unclear.

NM_006662.3(SRCAP):c.8477T>C (p.Ile2826Thr)

Gene: SRCAP (Snf2 related CREBBP activator protein; plus strand). Cytogenetic location: 16p11.2.
Variant type: single nucleotide variant.
Coding change: c.8477T>C on transcript NM_006662.3 (MANE Select); coding-DNA position 8477, T replaced by C.
Protein change: p.Ile2826Thr; replaces isoleucine 2826 with threonine.
Molecular consequence: missense variant.
Genome position (GRCh38, 1-based): chr16:30,738,517, T>C. VCF-style: chr16-30738517-T-C. GRCh37 (hg19) VCF-style: chr16-30749838-T-C.
Other names: short protein forms I2826T.
Identifiers: ClinVar variation 3169854 (VCV003169854.1), dbSNP rs769370549, ClinGen allele CA8012703.
Genomic context (GRCh38, chr16:30,738,517, plus strand): 5'-GTGGGCCCTGTGAAGCTGCTCCTTCATCCTCACTGCCCACTCCACCCCAGCAGCCCTTCA[T>C]TGCTCGCCGTCACATTGAGCTGGGGGTGACTGGTGGTGGCAGCCCCGAGAATGGAGACGG-3'
Protein context (NP_006653.2, residues 2816-2836): SLPTPPQQPF[Ile2826Thr]ARRHIELGVT